The following is an entry in ClinVar:

NM_006939.4(SOS2):c.1198G>A (p.Asp400Asn)

Gene: SOS2 (SOS Ras/Rho guanine nucleotide exchange factor 2; minus strand). Cytogenetic location: 14q21.3.
Variant type: single nucleotide variant.
Coding change: c.1198G>A on transcript NM_006939.4 (MANE Select); coding-DNA position 1198, G replaced by A.
Protein change: p.Asp400Asn; replaces aspartic acid 400 with asparagine.
Molecular consequence: missense variant.
Genome position (GRCh38, 1-based): chr14:50,160,085, C>T on the plus strand (G>A on the coding strand, the complement: SOS2 is on the minus strand). VCF-style: chr14-50160085-C-T. GRCh37 (hg19) VCF-style: chr14-50626803-C-T.
Other names: short protein forms D400N.
Identifiers: ClinVar variation 542405 (VCV000542405.17), dbSNP rs200368064, ClinGen allele CA7177310.

ClinVar aggregate classification (germline): Likely benign. Review status: criteria provided, multiple submitters, no conflicts (2 of 4 stars). 6 submissions from 6 submitters: Likely benign (6). Last evaluated 2026-07-30.

Conditions:
Noonan syndrome 9 (NS9). Identifiers: Orphanet 648, MedGen C4225282, MONDO:0014691, OMIM 616559.
Noonan syndrome and Noonan-related syndrome. Identifiers: Orphanet 98733, MedGen C5681679, MONDO:0020297.
Cardiovascular phenotype. Identifiers: MedGen CN230736.

Allele frequency attached by ClinVar (database versions not stated): gnomAD exomes 0.00009 and 0.00004; ExAC 0.00006; gnomAD 0.00006; TOPMed 0.00008; ESP Exome Variant Server 0.00023.
gnomAD v4.1: 77 of 1,604,880 alleles (0.0048%); highest among the groups gnomAD compares: Admixed American, 0.0017%; no homozygotes.

Submissions (6):

Ambry Genetics
Classification: Likely benign for Cardiovascular phenotype. Last evaluated: 2026-07-30. Review status: criteria provided, single submitter. Criteria: Ambry Variant Classification Scheme 2023. Collection method: clinical testing. Allele origin: germline.

Women's Health and Genetics/Laboratory Corporation of America, LabCorp
Classification: Likely benign. Last evaluated: 2026-04-28. Review status: criteria provided, single submitter. Criteria: LabCorp Variant Classification Summary - May 2015. Collection method: clinical testing. Allele origin: germline.
Comment: Variant summary: SOS2 c.1198G>A (p.Asp400Asn) results in a conservative amino acid change in the encoded protein sequence. Algorithms developed to predict the effect of missense changes on protein structure and function are either unavailable or do not agree on the potential impact of this missense change. Consensus agreement among computation tools predict no significant impact on normal splicing. However, these predictions have yet to be confirmed by functional studies. The variant allele was found at a frequency of 8.6e-05 in 243180 control chromosomes. The observed variant frequency exceeds the estimated maximal expected allele frequency for disease-causing variants in SOS2. To our knowledge, no occurrence of c.1198G>A in individuals affected with SOS2-related conditions and no experimental evidence demonstrating its impact on protein function have been reported. ClinVar contains an entry for this variant (Variation ID: 542405). Based on the evidence outlined above, the variant was classified as likely benign.

Labcorp Genetics (formerly Invitae), Labcorp
Classification: Likely benign for Noonan syndrome 9. Last evaluated: 2025-09-01. Review status: criteria provided, single submitter. Criteria: Invitae Variant Classification Sherloc (09022015). Collection method: clinical testing. Allele origin: germline.

Blueprint Genetics
Classification: Likely benign. Last evaluated: 2024-10-04. Review status: criteria provided, single submitter. Criteria: ACMG Guidelines, 2015. Collection method: clinical testing. Allele origin: germline.

Genome Diagnostics Laboratory, The Hospital for Sick Children
Classification: Likely benign for Noonan syndrome and Noonan-related syndrome. Last evaluated: 2021-04-01. Review status: criteria provided, single submitter. Criteria: ACMG Guidelines, 2015. Collection method: clinical testing. Allele origin: germline.

Genome-Nilou Lab
Classification: Likely benign for Noonan syndrome 9. Review status: criteria provided, single submitter. Criteria: ACMG Guidelines, 2015. Collection method: clinical testing. Allele origin: germline.